The following is an entry in ClinVar:

NM_000256.3(MYBPC3):c.1612C>T (p.Leu538Phe)

Gene: MYBPC3 (myosin binding protein C3; minus strand). Cytogenetic location: 11p11.2.
Variant type: single nucleotide variant.
Coding change: c.1612C>T on transcript NM_000256.3 (MANE Select); coding-DNA position 1612, C replaced by T.
Protein change: p.Leu538Phe; replaces leucine 538 with phenylalanine.
Molecular consequence: missense variant.
Genome position (GRCh38, 1-based): chr11:47,342,590, G>A on the plus strand (C>T on the coding strand, the complement: MYBPC3 is on the minus strand). VCF-style: chr11-47342590-G-A. GRCh37 (hg19) VCF-style: chr11-47364141-G-A.
Other names: short protein forms L538F.
Identifiers: ClinVar variation 3656718 (VCV003656718.2).
Genomic context (GRCh38, chr11:47,342,590, plus strand): 5'-GAGGGGTCCAAGCCCTAAAGCCTCATGTGCCCCCCCAGCCAGGCTCACCCTGCACAATGA[G>A]CTCAGCCAGCGCCTGGCCCCCGCTAGTGCACAGTGCATAGTGCCCCGCGTCCTCCAGCAT-3'
Protein context (NP_000247.2, residues 528-548): CTSGGQALAE[Leu538Phe]IVQEKKLEVY

ClinVar aggregate classification (germline): Uncertain significance (1 of 4 stars; one submission).

Conditions:
Hypertrophic cardiomyopathy. Also called: HYPERTROPHIC MYOCARDIOPATHY. Identifiers: Orphanet 217569, MedGen C0007194, MeSH D002312, MONDO:0005045, HP:0001639.

Submission:

Labcorp Genetics (formerly Invitae), Labcorp
Classification: Uncertain significance for Hypertrophic cardiomyopathy. Last evaluated: 2024-06-15. Review status: criteria provided, single submitter. Criteria: Invitae Variant Classification Sherloc (09022015). Collection method: clinical testing. Allele origin: germline.
Comment: This sequence change replaces leucine, which is neutral and non-polar, with phenylalanine, which is neutral and non-polar, at codon 538 of the MYBPC3 protein (p.Leu538Phe). This variant is not present in population databases (gnomAD no frequency). This variant has not been reported in the literature in individuals affected with MYBPC3-related conditions. An algorithm developed to predict the effect of missense changes on protein structure and function (PolyPhen-2) suggests that this variant is likely to be disruptive. In summary, the available evidence is currently insufficient to determine the role of this variant in disease. Therefore, it has been classified as a Variant of Uncertain Significance.